The following is an entry in ClinVar:

ClinVar aggregate classification (germline): Uncertain significance (1 of 4 stars; one submission).

gnomAD v4.1: 5 of 1,205,041 alleles (0.00041%); highest among the groups gnomAD compares: Non-Finnish European, 0.00045%; no homozygotes.

Submission:

Labcorp Genetics (formerly Invitae), Labcorp
Classification: Uncertain significance. Last evaluated: 2024-07-16. Review status: criteria provided, single submitter. Criteria: Invitae Variant Classification Sherloc (09022015). Collection method: clinical testing. Allele origin: germline.
Comment: This sequence change replaces threonine, which is neutral and polar, with alanine, which is neutral and non-polar, at codon 816 of the STAG2 protein (p.Thr816Ala). This variant is present in population databases (rs769435795, gnomAD 0.001%). This variant has not been reported in the literature in individuals affected with STAG2-related conditions. Advanced modeling of protein sequence and biophysical properties (such as structural, functional, and spatial information, amino acid conservation, physicochemical variation, residue mobility, and thermodynamic stability) performed at Invitae indicates that this missense variant is not expected to disrupt STAG2 protein function with a negative predictive value of 80%. In summary, the available evidence is currently insufficient to determine the role of this variant in disease. Therefore, it has been classified as a Variant of Uncertain Significance.

NM_001042750.2(STAG2):c.2446A>G (p.Thr816Ala)

Gene: STAG2 (STAG2 cohesin complex component; plus strand). Cytogenetic location: Xq25.
Variant type: single nucleotide variant.
Coding change: c.2446A>G on transcript NM_001042750.2 (MANE Select); coding-DNA position 2446, A replaced by G.
Protein change: p.Thr816Ala; replaces threonine 816 with alanine.
Molecular consequence: missense variant.
Genome position (GRCh38, 1-based): chrX:124,071,236, A>G. VCF-style: chrX-124071236-A-G. GRCh37 (hg19) VCF-style: chrX-123205086-A-G.
Other names: c.2446A>G, p.Thr816Ala (NM_001042749.2, NM_001042751.2, NM_001282418.2 and 13 more transcripts); short protein forms T816A.
Identifiers: ClinVar variation 3682182 (VCV003682182.2).